The following is an entry in ClinVar:

NM_016284.5(CNOT1):c.6673C>G (p.Gln2225Glu)

Gene: CNOT1 (CCR4-NOT transcription complex subunit 1; minus strand). Cytogenetic location: 16q21.
Variant type: single nucleotide variant.
Coding change: c.6673C>G on transcript NM_016284.5 (MANE Select); coding-DNA position 6673, C replaced by G.
Protein change: p.Gln2225Glu; replaces glutamine 2225 with glutamic acid.
Molecular consequence: missense variant. On other transcripts: non-coding transcript variant (1).
Genome position (GRCh38, 1-based): chr16:58,525,290, G>C on the plus strand (C>G on the coding strand, the complement: CNOT1 is on the minus strand). VCF-style: chr16-58525290-G-C. GRCh37 (hg19) VCF-style: chr16-58559194-G-C.
Other names: c.6658C>G, p.Gln2220Glu (NM_001265612.2); short protein forms Q2220E, Q2225E.
Identifiers: ClinVar variation 3036676 (VCV003036676.2), dbSNP rs2543811618, ClinGen allele CA396161028.
Genomic context (GRCh38, chr16:58,525,290, plus strand): 5'-AGTGAGTGATGGTGCTCATTGAAGGTGTGCTGCCCTTGTTGTGGATGTGCGCAATGGCCT[G>C]AGTCCCGACATAGAGCACCAGTGCATTGATGAGCTGGAGGTTGTAGCGATTCCCAGGTTC-3'
Protein context (NP_057368.3, residues 2215-2235): INALVLYVGT[Gln2225Glu]AIAHIHNKGS

ClinVar aggregate classification (germline): Uncertain significance (0 of 4 stars; one submission).

Conditions:
CNOT1-related disorder. Also called: CNOT1-related condition.

Allele frequency attached by ClinVar (database versions not stated): gnomAD exomes below 0.00001.
gnomAD v4.1: 1 of 1,613,982 alleles (0.000062%); highest among the groups gnomAD compares: Non-Finnish European, 0.000085%; no homozygotes.

Submission:

PreventionGenetics, part of Exact Sciences
Classification: Uncertain significance for CNOT1-related condition. Last evaluated: 2024-01-26. Review status: no assertion criteria provided. Collection method: clinical testing. Allele origin: germline.
Comment: The CNOT1 c.6673C>G variant is predicted to result in the amino acid substitution p.Gln2225Glu. To our knowledge, this variant has not been reported in the literature or in a large population database, indicating this variant is rare. At this time, the clinical significance of this variant is uncertain due to the absence of conclusive functional and genetic evidence.